The following is an entry in ClinVar:

ClinVar aggregate classification (germline): Likely benign (1 of 4 stars; one submission).

Submission:

Center for Pediatric Genomic Medicine, Children's Mercy Hospital and Clinics
Classification: Likely benign. Last evaluated: 2015-09-29. Review status: criteria provided, single submitter. Criteria: ACMG Guidelines, 2015. Collection method: clinical testing. Allele origin: germline.
ClinVar note: Converted during submission from Likely Benign to Likely benign.

NC_012920.1(MT-CYB):m.15217G>A

Gene: MT-CYB (mitochondrially encoded cytochrome b; plus strand).
Variant type: single nucleotide variant.
Genome position: chrM-15217-G-A.
Identifiers: ClinVar variation 235375 (VCV000235375.3), dbSNP rs193302989, ClinGen allele CA10581292.